The following is an entry in ClinVar:

NM_001170535.3(ATAD3A):c.916C>T (p.Arg306Trp)

Gene: ATAD3A (ATPase family AAA domain containing 3A; plus strand). Cytogenetic location: 1p36.33.
Variant type: single nucleotide variant.
Coding change: c.916C>T on transcript NM_001170535.3 (MANE Select); coding-DNA position 916, C replaced by T.
Protein change: p.Arg306Trp; replaces arginine 306 with tryptophan.
Molecular consequence: missense variant.
Genome position (GRCh38, 1-based): chr1:1,523,520, C>T. VCF-style: chr1-1523520-C-T. GRCh37 (hg19) VCF-style: chr1-1458900-C-T.
Other names: c.679C>T, p.Arg227Trp (NM_001170536.3); c.1060C>T, p.Arg354Trp (NM_018188.5); short protein forms R227W, R306W, R354W.
Identifiers: ClinVar variation 4965883 (VCV004965883.2).
Genomic context (GRCh38, chr1:1,523,520, plus strand): 5'-TCCGTGGCTGTGGCAGGTGACCCGATGGCGCTTCCCCTTCCCCTCCGGCAGGTCAGCCGG[C>T]GGCTCCTCAGTCGACCCCAGGACGCGCTGGAGGGTGTTGTGCTCAGTGTAAGTCGGTGTG-3'
Protein context (NP_001164006.1, residues 296-316): ALRHPIQVSR[Arg306Trp]LLSRPQDALE

ClinVar aggregate classification (germline): Likely benign. Review status: criteria provided, multiple submitters, no conflicts (2 of 4 stars). 2 submissions from 2 submitters: Likely benign (2). Last evaluated 2026-07-01.

gnomAD v4.1: 428 of 1,612,544 alleles (0.027%); highest among the groups gnomAD compares: Admixed American, 0.54%; 5 homozygotes.

Submissions (2):

CeGaT Center for Human Genetics Tuebingen
Classification: Likely benign. Last evaluated: 2026-07-01. Review status: criteria provided, single submitter. Criteria: CeGaT Center For Human Genetics Tuebingen Variant Classification Criteria Version 2. Collection method: clinical testing. Allele origin: germline. Affected: yes. Observed: 1 variant allele.
Comment: ATAD3A: BS1

Blueprint Genetics
Classification: Likely benign. Last evaluated: 2024-07-14. Review status: criteria provided, single submitter. Criteria: ACMG Guidelines, 2015. Collection method: clinical testing. Allele origin: germline.